The following is an entry in ClinVar:

ClinVar aggregate classification (germline): Likely pathogenic (1 of 4 stars; one submission).

Conditions:
Dilated cardiomyopathy 1G (CMD1G). Identifiers: Orphanet 154, MedGen C1858763, MONDO:0011400, OMIM 604145.
Autosomal recessive limb-girdle muscular dystrophy type 2J (LGMDR10). Also called: Limb-girdle muscular dystrophy, type 2J; MUSCULAR DYSTROPHY, LIMB-GIRDLE, AUTOSOMAL RECESSIVE 10. Identifiers: Orphanet 140922, MedGen C1837342, MONDO:0012127, OMIM 608807.

Submission:

Labcorp Genetics (formerly Invitae), Labcorp
Classification: Likely pathogenic for Dilated cardiomyopathy 1G; Autosomal recessive limb-girdle muscular dystrophy type 2J. Last evaluated: 2022-08-16. Review status: criteria provided, single submitter. Criteria: Invitae Variant Classification Sherloc (09022015). Collection method: clinical testing. Allele origin: germline.
Comment: This variant is not present in population databases (gnomAD no frequency). This variant has not been reported in the literature in individuals affected with TTN-related conditions. ClinVar contains an entry for this variant (Variation ID: 1470110). This variant is located in the A band of TTN (PMID: 25589632). Truncating variants in this region are significantly overrepresented in patients affected with dilated cardiomyopathy (PMID: 25589632). Truncating variants in this region have also been reported in individuals affected with autosomal recessive centronuclear myopathy (PMID: 23975875). In summary, the currently available evidence indicates that the variant is pathogenic, but additional data are needed to prove that conclusively. Therefore, this variant has been classified as Likely Pathogenic. This sequence change creates a premature translational stop signal (p.Lys15929Ilefs*36) in the TTN gene. While this is not anticipated to result in nonsense mediated decay, it is expected to create a truncated TTN protein.

Literature cited by the submitters: PubMed 25589632; PubMed 23975875.

NM_001267550.2(TTN):c.47786_47789del (p.Lys15929fs)

Genes: TTN (titin; minus strand), TTN-AS1 (TTN antisense RNA 1; plus strand). Cytogenetic location: 2q31.2.
Variant type: Microsatellite.
Coding change: c.47786_47789del on transcript NM_001267550.2 (MANE Select); coding-DNA positions 47786 to 47789, 4 bases deleted (AATA; older notation c.47786_47789delAATA).
Protein change: p.Lys15929fs; shifts the reading frame from lysine 15929.
Molecular consequence: frameshift variant.
Genome position (GRCh38, 1-based): chr2:178,617,206-178,617,209, TATT deleted on the plus strand (AATA on the coding strand, the reverse complement: TTN is on the minus strand); deleting any 4 consecutive bases within chr2:178,617,206-178,617,214 gives the same sequence; the c. name uses the placement nearest the transcript's 3' end. VCF-style (leftmost placement, unchanged base first): chr2-178617205-ATATT-A. GRCh37 (hg19) VCF-style: chr2-179481932-ATATT-A.
Other names: c.42863_42866del, p.Lys14288fs (NM_001256850.1); c.20591_20594del, p.Lys6864fs (NM_003319.4); c.40082_40085del, p.Lys13361fs (NM_133378.4); c.20966_20969del, p.Lys6989fs (NM_133432.3); c.21167_21170del, p.Lys7056fs (NM_133437.4); short protein forms K15929fs, K14288fs, K6864fs, K6989fs, K7056fs, K13361fs.
Identifiers: ClinVar variation 1470110 (VCV001470110.6), dbSNP rs2154208514, ClinGen allele CA2580614490.